The following is an entry in ClinVar:

ClinVar aggregate classification (germline): Uncertain significance (1 of 4 stars; one submission).

Conditions:
Aortic aneurysm, familial thoracic 8 (AAT8). Identifiers: MedGen C3809513, MONDO:0014187, OMIM 615436.

Submission:

Labcorp Genetics (formerly Invitae), Labcorp
Classification: Uncertain significance for Aortic aneurysm, familial thoracic 8. Last evaluated: 2017-03-01. Review status: criteria provided, single submitter. Criteria: Invitae Variant Classification Sherloc (09022015). Collection method: clinical testing. Allele origin: germline.
Comment: Algorithms developed to predict the effect of missense changes on protein structure and function do not agree on the potential impact of this missense change (SIFT: "Deleterious"; PolyPhen-2: "Possibly Damaging"; Align-GVGD: "Class C0"). In summary, this variant is a novel missense change with uncertain impact on protein function. It has been classified as a Variant of Uncertain Significance. This sequence change replaces phenylalanine with leucine at codon 274 of the PRKG1 protein (p.Phe274Leu). The phenylalanine residue is moderately conserved and there is a small physicochemical difference between phenylalanine and leucine. This variant is not present in population databases (ExAC no frequency) and has not been reported in the literature in individuals with a PRKG1-related disease.

NM_006258.4(PRKG1):c.820T>C (p.Phe274Leu)

Gene: PRKG1 (protein kinase cGMP-dependent 1; plus strand). Cytogenetic location: 10q21.1.
Variant type: single nucleotide variant.
Coding change: c.820T>C on transcript NM_006258.4 (MANE Select); coding-DNA position 820, T replaced by C.
Protein change: p.Phe274Leu; replaces phenylalanine 274 with leucine.
Molecular consequence: missense variant.
Genome position (GRCh38, 1-based): chr10:52,054,541, T>C. VCF-style: chr10-52054541-T-C. GRCh37 (hg19) VCF-style: chr10-53814301-T-C.
Other names: c.775T>C, p.Phe259Leu (NM_001098512.3, LRG_1135t2); c.820T>C, p.Phe274Leu (LRG_1135t1); short protein forms F274L, F259L.
Identifiers: ClinVar variation 477781 (VCV000477781.8), dbSNP rs1554797637, ClinGen allele CA376533909.